The following is an entry in ClinVar:

ClinVar aggregate classification (germline): Uncertain significance (1 of 4 stars; one submission).

Conditions:
Intellectual developmental disorder with microcephaly and with or without ocular malformations or hypogonadotropic hypogonadism. Also called: Coffin-Siris Syndrome 9; Intellectual disability, autosomal dominant 27. Identifiers: Orphanet 1465, MedGen C4014528, MONDO:0014376, OMIM 615866.

Allele frequency attached by ClinVar (database versions not stated): gnomAD exomes 0.00001.

Submission:

Victorian Clinical Genetics Services, Murdoch Childrens Research Institute
Classification: Uncertain significance for Intellectual developmental disorder with microcephaly and with or without ocular malformations or hypogonadotropic hypogonadism. Last evaluated: 2024-10-11. Review status: criteria provided, single submitter. Criteria: ACMG Guidelines, 2015. Collection method: clinical testing. Allele origin: germline. Inheritance: Autosomal dominant inheritance.
Comment: Based on the classification scheme VCGS_Germline_v1.1.1, this variant is classified as VUS – 3C. Following criteria are met: 0102 - Loss-of-function is a known mechanism of disease for this gene. (N) 0107 - This gene is known to be associated with autosomal dominant disease. (N) 0200 - Variant is predicted to result in a missense amino acid change from glutamic acid to glutamine (exon 1). (N) 0251 - Variant is heterozygous. (N) 0302 - Variant is present in gnomAD <0.001 for a dominant condition (1 heterozygote, 0 homozygote). (P) 0503 - Missense variant consistently predicted to be tolerated or not conserved in mammals with a minor amino acid change. (B) 0603 - Missense variant in a region that is highly intolerant to missense variation (high constraint region). (P) 0604 - Variant is not located in an established domain, motif, hotspot or informative constraint region. (N) 0705 - No comparable variants have previous evidence for pathogenicity. (N) 0807 - Variant has not previously been reported in a clinical context. (N) 0905 - No segregation evidence has been identified for this variant. (N) 1007 - No published functional evidence has been identified for this variant. (N) 1208 - Inheritance information for this variant is not currently available. (N) Legend: (P) - Pathogenic, (N) - Neutral, (B) - Benign

NM_003108.4(SOX11):c.724G>C (p.Glu242Gln)

Gene: SOX11 (SRY-box transcription factor 11; plus strand). Cytogenetic location: 2p25.2.
Variant type: single nucleotide variant.
Coding change: c.724G>C on transcript NM_003108.4 (MANE Select); coding-DNA position 724, G replaced by C.
Protein change: p.Glu242Gln; replaces glutamic acid 242 with glutamine.
Molecular consequence: missense variant.
Genome position (GRCh38, 1-based): chr2:5,693,445, G>C. VCF-style: chr2-5693445-G-C. GRCh37 (hg19) VCF-style: chr2-5833577-G-C.
Other names: short protein forms E242Q.
Identifiers: ClinVar variation 1805776 (VCV001805776.2), dbSNP rs1206958743, ClinGen allele CA345867314.